The following is an entry in ClinVar:

NM_001903.5(CTNNA1):c.1962G>T (p.Thr654=)

Gene: CTNNA1 (catenin alpha 1; plus strand). Cytogenetic location: 5q31.2.
Variant type: single nucleotide variant.
Coding change: c.1962G>T on transcript NM_001903.5 (MANE Select); coding-DNA position 1962, G replaced by T.
Protein change: p.Thr654=; no amino-acid change (threonine 654 retained).
Molecular consequence: synonymous variant.
Genome position (GRCh38, 1-based): chr5:138,929,308, G>T. VCF-style: chr5-138929308-G-T. GRCh37 (hg19) VCF-style: chr5-138264997-G-T.
Other names: c.1962G>T, p.Thr654= (NM_001290307.3, NM_001323982.2, NM_001323983.1 and 2 more transcripts); c.1653G>T, p.Thr551= (NM_001290309.3); c.1593G>T, p.Thr531= (NM_001290310.3); c.852G>T, p.Thr284= (NM_001290312.1, NM_001323987.1, NM_001323988.1 and 17 more transcripts); c.1869G>T, p.Thr623= (NM_001323986.2); c.513G>T, p.Thr171= (NM_001324006.1, NM_001324007.1, NM_001324008.1 and 2 more transcripts); c.759G>T, p.Thr253= (NM_001324011.1); c.609G>T, p.Thr203= (NM_001324012.1, NM_001324013.1).
Identifiers: ClinVar variation 696473 (VCV000696473.15), dbSNP rs538120740, ClinGen allele CA3432075.

ClinVar aggregate classification (germline): Benign/Likely benign. Review status: criteria provided, multiple submitters, no conflicts (2 of 4 stars). 4 submissions from 4 submitters: Benign (1); Likely benign (3). Last evaluated 2025-12-29.

Conditions:
Hereditary cancer-predisposing syndrome. Also called: Tumor predisposition; Hereditary neoplastic syndrome; Hereditary Cancer Syndrome; Neoplastic Syndromes, Hereditary. Identifiers: Orphanet 140162, MedGen C0027672, MeSH D009386, MONDO:0015356.
Hereditary diffuse gastric adenocarcinoma (HDGC). Also called: DIFFUSE GASTRIC AND LOBULAR BREAST CANCER SYNDROME. Identifiers: Orphanet 26106, MedGen C1708349, MONDO:0007648, OMIM 137215.

Allele frequency attached by ClinVar (database versions not stated): ExAC 0.00001; 1000 Genomes Project 30x 0.00016; 1000 Genomes Project 0.00020.
gnomAD v4.1: 21 of 1,612,452 alleles (0.0013%); highest among the groups gnomAD compares: Non-Finnish European, 0.0018%; no homozygotes.

Submissions (4):

Center for Genomic Medicine, Rigshospitalet, Copenhagen University Hospital
Classification: Likely benign. Last evaluated: 2025-12-29. Review status: criteria provided, single submitter. Criteria: ACMG Guidelines, 2015. Collection method: clinical testing. Allele origin: germline.

Labcorp Genetics (formerly Invitae), Labcorp
Classification: Likely benign. Last evaluated: 2025-12-21. Review status: criteria provided, single submitter. Criteria: Invitae Variant Classification Sherloc (09022015). Collection method: clinical testing. Allele origin: germline.

Myriad Genetics, Inc.
Classification: Benign for Hereditary diffuse gastric adenocarcinoma. Last evaluated: 2024-10-14. Review status: criteria provided, single submitter. Criteria: Myriad Autosomal Dominant, Autosomal Recessive and X-Linked Classification Criteria (2023). Collection method: clinical testing. Allele origin: unknown.
Comment: This variant is considered benign. This variant is a silent/synonymous amino acid change and it is not expected to impact splicing.

Ambry Genetics
Classification: Likely benign for Hereditary cancer-predisposing syndrome. Last evaluated: 2021-01-19. Review status: criteria provided, single submitter. Criteria: Ambry Variant Classification Scheme 2023. Collection method: clinical testing. Allele origin: germline.